The following is an entry in ClinVar:

NM_001367624.2(ZNF469):c.3137G>C (p.Trp1046Ser)

Genes: ZNF469 (zinc finger protein 469; plus strand), LOC130059718 (ATAC-STARR-seq lymphoblastoid silent region 7847; plus strand). Cytogenetic location: 16q24.2.
Variant type: single nucleotide variant.
Coding change: c.3137G>C on transcript NM_001367624.2 (MANE Select); coding-DNA position 3137, G replaced by C.
Protein change: p.Trp1046Ser; replaces tryptophan 1046 with serine.
Molecular consequence: missense variant.
Genome position (GRCh38, 1-based): chr16:88,430,607, G>C. VCF-style: chr16-88430607-G-C. GRCh37 (hg19) VCF-style: chr16-88497015-G-C.
Other names: NM_001127464.1:c.3137G>C; short protein forms W1046S.
Identifiers: ClinVar variation 1308020 (VCV001308020.2), dbSNP rs1906090670, ClinGen allele CA397077776.
Genomic context (GRCh38, chr16:88,430,607, plus strand): 5'-GGCGCCGCCGGCTGCCCCCCAGGAAGGACCCCAGGAAGAGGAAGGCTCGGGGCGGCGCCT[G>C]GGGCAAGGAGCTCATTCTGAAGATCGTGCAGCAGAAGAACAGGCGCCACCGGCGGCTGGG-3'
Protein context (NP_001354553.1, residues 1036-1056): PRKRKARGGA[Trp1046Ser]GKELILKIVQ

ClinVar aggregate classification (germline): Uncertain significance (1 of 4 stars; one submission).

Allele frequency attached by ClinVar (database versions not stated): gnomAD exomes below 0.00001.
gnomAD v4.1: 2 of 1,500,900 alleles (0.00013%); highest among the groups gnomAD compares: Non-Finnish European, 0.00018%; no homozygotes.

Submission:

GeneDx
Classification: Uncertain significance. Last evaluated: 2019-08-21. Review status: criteria provided, single submitter. Criteria: GeneDx Variant Classification Process June 2021. Collection method: clinical testing. Allele origin: germline. Affected: yes.
Comment: Has not been previously published as pathogenic or benign to our knowledge; Not observed in large population cohorts (Lek et al., 2016); In silico analysis, which includes protein predictors and evolutionary conservation, supports a deleterious effect